The following is an entry in ClinVar:

NM_032229.3(SLITRK6):c.2065dup (p.Val689fs)

Gene: SLITRK6 (SLIT and NTRK like family member 6; minus strand). Cytogenetic location: 13q31.1.
Variant type: Duplication.
Coding change: c.2065dup on transcript NM_032229.3 (MANE Select); coding-DNA position 2065, one base duplicated (G; older notation c.2065dupG).
Protein change: p.Val689fs; shifts the reading frame from valine 689.
Molecular consequence: frameshift variant.
Genome position (GRCh38, 1-based): chr13:85,794,444, C duplicated on the plus strand (G on the coding strand, the reverse complement: SLITRK6 is on the minus strand). VCF-style (leftmost placement, unchanged base first): chr13-85794443-A-AC. GRCh37 (hg19) VCF-style: chr13-86368578-A-AC.
Other names: short protein forms V689fs.
Identifiers: ClinVar variation 1444057 (VCV001444057.6), dbSNP rs2137168455, ClinGen allele CA2573149718.

ClinVar aggregate classification (germline): Uncertain significance (1 of 4 stars; one submission).

Submission:

Labcorp Genetics (formerly Invitae), Labcorp
Classification: Uncertain significance. Last evaluated: 2025-06-20. Review status: criteria provided, single submitter. Criteria: Invitae Variant Classification Sherloc (09022015). Collection method: clinical testing. Allele origin: germline.
Comment: This sequence change creates a premature translational stop signal (p.Val689Glyfs*3) in the SLITRK6 gene. While this is not anticipated to result in nonsense mediated decay, it is expected to disrupt the last 153 amino acid(s) of the SLITRK6 protein. This variant is not present in population databases (gnomAD no frequency). This variant has not been reported in the literature in individuals affected with SLITRK6-related conditions. ClinVar contains an entry for this variant (Variation ID: 1444057). Experimental studies and prediction algorithms are not available or were not evaluated, and the functional significance of this variant is currently unknown. In summary, the available evidence is currently insufficient to determine the role of this variant in disease. Therefore, it has been classified as a Variant of Uncertain Significance.